The following is an entry in ClinVar:

NM_000142.5(FGFR3):c.65C>T (p.Ser22Leu)

Gene: FGFR3 (fibroblast growth factor receptor 3; plus strand). Cytogenetic location: 4p16.3.
Variant type: single nucleotide variant.
Coding change: c.65C>T on transcript NM_000142.5 (MANE Select); coding-DNA position 65, C replaced by T.
Protein change: p.Ser22Leu; replaces serine 22 with leucine.
Molecular consequence: missense variant. On other transcripts: non-coding transcript variant (1).
Genome position (GRCh38, 1-based): chr4:1,793,999, C>T. VCF-style: chr4-1793999-C-T. GRCh37 (hg19) VCF-style: chr4-1795726-C-T.
Other names: c.65C>T, p.Ser22Leu (NM_001163213.2, NM_001354809.2, NM_001354810.2 and 1 more transcripts); short protein forms S22L.
Identifiers: ClinVar variation 3094802 (VCV003094802.3), dbSNP rs2546775728, ClinGen allele CA355985806.

ClinVar aggregate classification (germline): Uncertain significance. Review status: criteria provided, multiple submitters, no conflicts (2 of 4 stars). 3 submissions from 3 submitters: Uncertain significance (3). Last evaluated 2026-06-23.

Conditions:
Inborn genetic diseases. Identifiers: MedGen C0950123, MeSH D030342.
FGFR3-related chondrodysplasia. Identifiers: Orphanet 93420, MedGen C5681604, MONDO:0019685.

Allele frequency attached by ClinVar (database versions not stated): gnomAD exomes below 0.00001.
gnomAD v4.1: 1 of 1,397,474 alleles (0.000072%); highest among the groups gnomAD compares: Non-Finnish European, 0.000094%; no homozygotes.

Submissions (3):

Genomenon, Inc
Classification: Uncertain significance for FGFR3-related chondrodysplasia. Last evaluated: 2026-06-23. Review status: criteria provided, single submitter. Criteria: Genomenon Sequence Variant Interpretation Standards - Updated. Collection method: curation. Allele origin: germline. Affected: no.
Comment: FGFR3 p.Ser22Leu (c.65C>T) is a missense variant that changes the amino acid at codon 22 from Serine to Leucine. This variant has been reported in the published literature (PMID:38737102). It is absent or not present at a significant frequency in gnomAD. In silico models predict that this variant is not damaging. In conclusion, we classify FGFR3 p.Ser22Leu (c.65C>T) as a variant of uncertain significance.

Ambry Genetics
Classification: Uncertain significance for Inborn genetic diseases. Last evaluated: 2024-02-06. Review status: criteria provided, single submitter. Criteria: Ambry Variant Classification Scheme 2023. Collection method: clinical testing. Allele origin: germline.

Blueprint Genetics
Classification: Uncertain significance. Last evaluated: 2020-04-06. Review status: criteria provided, single submitter. Criteria: ACMG Guidelines, 2015. Collection method: clinical testing. Allele origin: germline.

Literature cited by the submitters: PubMed 38737102 (cited by Genomenon, Inc).